The following is an entry in ClinVar:

NM_004655.4(AXIN2):c.1024A>G (p.Lys342Glu)

Gene: AXIN2 (axin 2; minus strand). Cytogenetic location: 17q24.1.
Variant type: single nucleotide variant.
Coding change: c.1024A>G on transcript NM_004655.4 (MANE Select); coding-DNA position 1024, A replaced by G.
Protein change: p.Lys342Glu; replaces lysine 342 with glutamic acid.
Molecular consequence: missense variant.
Genome position (GRCh38, 1-based): chr17:65,541,490, T>C on the plus strand (A>G on the coding strand, the complement: AXIN2 is on the minus strand). VCF-style: chr17-65541490-T-C. GRCh37 (hg19) VCF-style: chr17-63537608-T-C.
Other names: c.1024A>G, p.Lys342Glu (NM_001363813.1); short protein forms K342E.
Identifiers: ClinVar variation 1020359 (VCV001020359.10), dbSNP rs2044042208, ClinGen allele CA400679195.

ClinVar aggregate classification (germline): Uncertain significance. Review status: criteria provided, multiple submitters, no conflicts (2 of 4 stars). 2 submissions from 2 submitters: Uncertain significance (2). Last evaluated 2024-09-04.

Conditions:
Hereditary cancer-predisposing syndrome. Also called: Tumor predisposition; Neoplastic Syndromes, Hereditary; Hereditary neoplastic syndrome; Hereditary Cancer Syndrome. Identifiers: Orphanet 140162, MedGen C0027672, MeSH D009386, MONDO:0015356.
Oligodontia-cancer predisposition syndrome. Also called: TOOTH AGENESIS-COLORECTAL CANCER SYNDROME. Identifiers: Orphanet 300576, MedGen C1837750, MONDO:0012075, OMIM 608615. Disease mechanism: loss of function.

Allele frequency attached by ClinVar (database versions not stated): TOPMed 0.00001.

Submissions (2):

Labcorp Genetics (formerly Invitae), Labcorp
Classification: Uncertain significance for Oligodontia-cancer predisposition syndrome. Last evaluated: 2024-09-04. Review status: criteria provided, single submitter. Criteria: Invitae Variant Classification Sherloc (09022015). Collection method: clinical testing. Allele origin: germline.
Comment: This sequence change replaces lysine, which is basic and polar, with glutamic acid, which is acidic and polar, at codon 342 of the AXIN2 protein (p.Lys342Glu). This variant is not present in population databases (gnomAD no frequency). This variant has not been reported in the literature in individuals affected with AXIN2-related conditions. ClinVar contains an entry for this variant (Variation ID: 1020359). Invitae Evidence Modeling of protein sequence and biophysical properties (such as structural, functional, and spatial information, amino acid conservation, physicochemical variation, residue mobility, and thermodynamic stability) indicates that this missense variant is not expected to disrupt AXIN2 protein function with a negative predictive value of 80%. In summary, the available evidence is currently insufficient to determine the role of this variant in disease. Therefore, it has been classified as a Variant of Uncertain Significance.

Ambry Genetics
Classification: Uncertain significance for Hereditary cancer-predisposing syndrome. Last evaluated: 2024-07-16. Review status: criteria provided, single submitter. Criteria: Ambry Variant Classification Scheme 2023. Collection method: clinical testing. Allele origin: germline.
Comment: The p.K342E variant (also known as c.1024A>G), located in coding exon 3 of the AXIN2 gene, results from an A to G substitution at nucleotide position 1024. The lysine at codon 342 is replaced by glutamic acid, an amino acid with similar properties. This amino acid position is well conserved in available vertebrate species. In addition, the in silico prediction for this alteration is inconclusive. Based on the available evidence, the clinical significance of this variant remains unclear.